The following is an entry in ClinVar:

ClinVar aggregate classification (germline): Uncertain significance (1 of 4 stars; one submission).

Conditions:
Cardiovascular phenotype. Identifiers: MedGen CN230736.

Submission:

Ambry Genetics
Classification: Uncertain significance for Cardiovascular phenotype. Last evaluated: 2025-10-27. Review status: criteria provided, single submitter. Criteria: Ambry Variant Classification Scheme 2023. Collection method: clinical testing. Allele origin: germline.
Comment: The p.S59T variant (also known as c.176G>C), located in coding exon 1 of the LOX gene, results from a G to C substitution at nucleotide position 176. The serine at codon 59 is replaced by threonine, an amino acid with similar properties. This amino acid position is conserved. In addition, this alteration is predicted to be tolerated by in silico analysis. Based on the available evidence, the clinical significance of this variant remains unclear.

NM_002317.7(LOX):c.176G>C (p.Ser59Thr)

Genes: LOX (lysyl oxidase; minus strand), SRFBP1 (serum response factor binding protein 1; plus strand). Cytogenetic location: 5q23.1.
Variant type: single nucleotide variant.
Coding change: c.176G>C on transcript NM_002317.7 (MANE Select); coding-DNA position 176, G replaced by C.
Protein change: p.Ser59Thr; replaces serine 59 with threonine.
Molecular consequence: missense variant.
Genome position (GRCh38, 1-based): chr5:122,077,810, C>G on the plus strand (G>C on the coding strand, the complement: LOX is on the minus strand). VCF-style: chr5-122077810-C-G. GRCh37 (hg19) VCF-style: chr5-121413505-C-G.
Other names: short protein forms S59T.
Identifiers: ClinVar variation 4614547 (VCV004614547.1).